The following is an entry in ClinVar:

ClinVar aggregate classification (germline): Conflicting classifications of pathogenicity. Review status: criteria provided, conflicting classifications (1 of 4 stars). 9 submissions from 9 submitters: Uncertain significance (5); Benign (1); Likely benign (3). Last evaluated 2026-01-04.

Conditions:
Hereditary cancer-predisposing syndrome. Also called: Tumor predisposition; Hereditary neoplastic syndrome; Neoplastic Syndromes, Hereditary; Hereditary Cancer Syndrome. Identifiers: Orphanet 140162, MedGen C0027672, MeSH D009386, MONDO:0015356.
Tuberous sclerosis syndrome (TSC). Also called: Tuberous Sclerosis Complex; Tuberous sclerosis. Identifiers: Orphanet 805, MedGen C0041341, MONDO:0001734.
Tuberous sclerosis 2 (TSC2). Identifiers: Orphanet 805, MedGen C1860707, MONDO:0013199, OMIM 613254.

Allele frequency attached by ClinVar (database versions not stated): gnomAD exomes 0.00001 and 0.00002; TOPMed 0.00001; ExAC 0.00005.
gnomAD v4.1: 20 of 1,592,924 alleles (0.0013%); highest among the groups gnomAD compares: Middle Eastern, 0.017%; no homozygotes.

Submissions (9):

Labcorp Genetics (formerly Invitae), Labcorp
Classification: Benign for Tuberous sclerosis 2. Last evaluated: 2026-01-04. Review status: criteria provided, single submitter. Criteria: Invitae Variant Classification Sherloc (09022015). Collection method: clinical testing. Allele origin: germline.

Quest Diagnostics Nichols Institute San Juan Capistrano
Classification: Uncertain significance. Last evaluated: 2025-10-27. Review status: criteria provided, single submitter. Criteria: Quest Diagnostics criteria. Collection method: clinical testing. Allele origin: unknown.

Molecular Pathology, Peter Maccallum Cancer Centre
Classification: Uncertain significance for Tuberous sclerosis 2. Last evaluated: 2024-09-19. Review status: criteria provided, single submitter. Criteria: ACMG Guidelines, 2015. Collection method: clinical testing. Allele origin: germline. Inheritance: Autosomal dominant inheritance.

Mayo Clinic Laboratories, Mayo Clinic
Classification: Uncertain significance. Last evaluated: 2024-08-12. Review status: criteria provided, single submitter. Criteria: ACMG Guidelines, 2015. Collection method: clinical testing. Allele origin: germline. Observed: 1 variant allele.
Comment: BS2

Color Diagnostics, LLC DBA Color Health
Classification: Uncertain significance for Tuberous sclerosis syndrome. Last evaluated: 2023-10-25. Review status: criteria provided, single submitter. Criteria: ACMG Guidelines, 2015. Collection method: clinical testing. Allele origin: germline.
Comment: This missense variant replaces valine with isoleucine at codon 692 of the TSC2 protein. Computational prediction is inconclusive regarding the impact of this variant on protein structure and function. To our knowledge, functional studies have not been reported for this variant. This variant has not been reported in individuals affected with TSC2-related disorders in the literature. This variant has been identified in 4/209354 chromosomes in the general population by the Genome Aggregation Database (gnomAD). The available evidence is insufficient to determine the role of this variant in disease conclusively. Therefore, this variant is classified as a Variant of Uncertain Significance.

Genome-Nilou Lab
Classification: Likely benign for Tuberous sclerosis 2. Last evaluated: 2021-11-07. Review status: criteria provided, single submitter. Criteria: ACMG Guidelines, 2015. Collection method: clinical testing. Allele origin: germline. Affected: no.

GeneDx
Classification: Likely benign. Last evaluated: 2021-04-26. Review status: criteria provided, single submitter. Criteria: GeneDx Variant Classification Process June 2021. Collection method: clinical testing. Allele origin: germline. Affected: yes.

Ambry Genetics
Classification: Likely benign for Hereditary cancer-predisposing syndrome. Last evaluated: 2020-04-01. Review status: criteria provided, single submitter. Criteria: Ambry Variant Classification Scheme 2023. Collection method: clinical testing. Allele origin: germline.

CSER _CC_NCGL, University of Washington
Classification: Uncertain significance for Tuberous Sclerosis Complex. Last evaluated: 2015-03-11. Review status: criteria provided, single submitter. Criteria: Amendola et al. (Genome Res. 2015). Collection method: research. Allele origin: germline. Inheritance: Autosomal dominant inheritance. Study: CSER - NEXT Medicine variant annotation.

NM_000548.5(TSC2):c.2074G>A (p.Val692Ile)

Gene: TSC2 (TSC complex subunit 2; plus strand). Cytogenetic location: 16p13.3.
Variant type: single nucleotide variant.
Coding change: c.2074G>A on transcript NM_000548.5 (MANE Select); coding-DNA position 2074, G replaced by A.
Protein change: p.Val692Ile; replaces valine 692 with isoleucine.
Molecular consequence: missense variant.
Genome position (GRCh38, 1-based): chr16:2,071,911, G>A. VCF-style: chr16-2071911-G-A. GRCh37 (hg19) VCF-style: chr16-2121912-G-A.
Other names: NM_001077183.1:c.2074G>A; NM_001114382.1:c.2074G>A; XM_005255527.1:c.2347G>A; XM_005255528.1:c.2347G>A; XM_005255529.1:c.2347G>A; XM_005255530.1:c.2347G>A; XM_005255531.1:c.2347G>A; XM_005255532.1:c.2347G>A; and 8 more; short protein forms V692I, V492I, V655I, V643I, V703I.
Identifiers: ClinVar variation 226045 (VCV000226045.23), dbSNP rs201769220, ClinGen allele CA036245.